The following is an entry in ClinVar:

ClinVar aggregate classification (germline): Benign. Review status: criteria provided, multiple submitters, no conflicts (2 of 4 stars). 5 submissions from 5 submitters: Benign (5). Last evaluated 2026-01-27.

Conditions:
Diamond-Blackfan anemia. Also called: Blackfan Diamond syndrome; Aregenerative anemia chronic congenital; Red cell aplasia, pure hereditary; Congenital hypoplastic anemia; Aase syndrome. Identifiers: Orphanet 124, MedGen C1260899, MeSH D029503, MONDO:0015253, HP:0004810.
Diamond-Blackfan anemia 6 (DBA6). Also called: RPL5-Related Diamond-Blackfan Anemia. Identifiers: Orphanet 124, MedGen C2931850, MONDO:0012937, OMIM 612561.

Allele frequency attached by ClinVar (database versions not stated): gnomAD exomes 0.00215 and 0.00482; ExAC 0.00534; TOPMed 0.00542; 1000 Genomes Project 0.01418; gnomAD 0.00472 and 0.00546; ESP Exome Variant Server 0.00607; 1000 Genomes Project 30x 0.01452.
gnomAD v4.1: 4,033 of 1,609,238 alleles (0.25%); highest among the groups gnomAD compares: South Asian, 2.4%; 63 homozygotes.

Submissions (5):

Labcorp Genetics (formerly Invitae), Labcorp
Classification: Benign for Diamond-Blackfan anemia. Last evaluated: 2026-01-27. Review status: criteria provided, single submitter. Criteria: Invitae Variant Classification Sherloc (09022015). Collection method: clinical testing. Allele origin: germline.

Illumina Laboratory Services, Illumina
Classification: Benign for Diamond-Blackfan anemia 6. Last evaluated: 2018-01-12. Review status: criteria provided, single submitter. Criteria: ICSL Variant Classification Criteria 13 December 2019. Collection method: clinical testing. Allele origin: germline.
Comment: This variant was observed in the ICSL laboratory as part of a predisposition screen in an ostensibly healthy population. It had not been previously curated by ICSL or reported in the Human Gene Mutation Database (HGMD: prior to June 1st, 2018), and was therefore a candidate for classification through an automated scoring system. Utilizing variant allele frequency, disease prevalence and penetrance estimates, and inheritance mode, an automated score was calculated to assess if this variant is too frequent to cause the disease. Based on the score and internal cut-off values, a variant classified as benign is not then subjected to further curation. The score for this variant resulted in a classification of benign for this disease.

Ambry Genetics
Classification: Benign for Diamond-Blackfan anemia. Last evaluated: 2016-05-10. Review status: criteria provided, single submitter. Criteria: Ambry Variant Classification Scheme 2023. Collection method: clinical testing. Allele origin: germline.

GeneDx
Classification: Benign. Last evaluated: 2015-03-16. Review status: criteria provided, single submitter. Criteria: GeneDx Variant Classification (06012015). Collection method: clinical testing. Allele origin: germline. Affected: yes.
Comment: This variant is considered likely benign or benign based on one or more of the following criteria: it is a conservative change, it occurs at a poorly conserved position in the protein, it is predicted to be benign by multiple in silico algorithms, and/or has population frequency not consistent with disease.

Breakthrough Genomics
Classification: Benign. Review status: criteria provided, single submitter. Criteria: ACMG Guidelines, 2015. Collection method: not provided. Allele origin: germline. Inheritance: Autosomal dominant inheritance. Affected: yes.

NM_000969.5(RPL5):c.258T>C (p.Tyr86=)

Genes: DIPK1A (divergent protein kinase domain 1A; minus strand), RPL5 (ribosomal protein L5; plus strand). Cytogenetic location: 1p22.1.
Variant type: single nucleotide variant.
Coding change: c.258T>C on transcript NM_000969.5 (MANE Select); coding-DNA position 258, T replaced by C.
Protein change: p.Tyr86=; no amino-acid change (tyrosine 86 retained).
Molecular consequence: synonymous variant. On other transcripts: non-coding transcript variant (1), intron variant (1).
Genome position (GRCh38, 1-based): chr1:92,834,847, T>C. VCF-style: chr1-92834847-T-C. GRCh37 (hg19) VCF-style: chr1-93300404-T-C.
Other names: c.475-1813A>G (NM_001252273.2).
Identifiers: ClinVar variation 238197 (VCV000238197.54), dbSNP rs113792800, ClinGen allele CA952418.
Genomic context (GRCh38, chr1:92,834,847, plus strand): 5'-TGCCCGTATAGAGGGGGATATGATAGTCTGCGCAGCGTATGCACACGAACTGCCAAAATA[T>C]GGTGTGAAGGTTGGCCTGACAAATTATGCTGCAGCATATTGTACTGGCCTGCTGCTGGCC-3'
Protein context (NP_000960.2, residues 76-96): CAAYAHELPK[Tyr86=]GVKVGLTNYA